The following is an entry in ClinVar:

NM_000433.4(NCF2):c.1514T>C (p.Ile505Thr)

Gene: NCF2 (neutrophil cytosolic factor 2; minus strand). Cytogenetic location: 1q25.3.
Variant type: single nucleotide variant.
Coding change: c.1514T>C on transcript NM_000433.4 (MANE Select); coding-DNA position 1514, T replaced by C.
Protein change: p.Ile505Thr; replaces isoleucine 505 with threonine.
Molecular consequence: missense variant.
Genome position (GRCh38, 1-based): chr1:183,556,185, A>G on the plus strand (T>C on the coding strand, the complement: NCF2 is on the minus strand). VCF-style: chr1-183556185-A-G. GRCh37 (hg19) VCF-style: chr1-183525320-A-G.
Other names: c.1514T>C, p.Ile505Thr (NM_001127651.3); c.1271T>C, p.Ile424Thr (NM_001190789.2); c.1379T>C, p.Ile460Thr (NM_001190794.2); short protein forms I505T, I424T, I460T.
Identifiers: ClinVar variation 578071 (VCV000578071.6), dbSNP rs937597401, ClinGen allele CA34017983.

ClinVar aggregate classification (germline): Uncertain significance (1 of 4 stars; one submission).

Conditions:
Granulomatous disease, chronic, autosomal recessive, cytochrome b-positive, type 2. Also called: GRANULOMATOUS DISEASE, CHRONIC, AUTOSOMAL RECESSIVE, 2; Chronic granulomatous disease due to deficiency of NCF-2; Chronic Granulomatous Disease, Autosomal Recessive, Cytochrome b-Positive, Type II; GRANULOMATOUS DISEASE, CHRONIC, DUE TO NCF2 DEFICIENCY; CGD, AUTOSOMAL RECESSIVE CYTOCHROME b-POSITIVE, TYPE II. Identifiers: Orphanet 379, MedGen C1856245, MONDO:0009310, OMIM 233710.

Allele frequency attached by ClinVar (database versions not stated): gnomAD exomes below 0.00001; gnomAD 0.00001; TOPMed 0.00001.
gnomAD v4.1: 7 of 1,614,054 alleles (0.00043%); highest among the groups gnomAD compares: Non-Finnish European, 0.00051%; no homozygotes.

Submission:

Labcorp Genetics (formerly Invitae), Labcorp
Classification: Uncertain significance for Granulomatous disease, chronic, autosomal recessive, cytochrome b-positive, type 2. Last evaluated: 2021-08-24. Review status: criteria provided, single submitter. Criteria: Invitae Variant Classification Sherloc (09022015). Collection method: clinical testing. Allele origin: germline.
Comment: This sequence change replaces isoleucine with threonine at codon 505 of the NCF2 protein (p.Ile505Thr). The isoleucine residue is highly conserved and there is a moderate physicochemical difference between isoleucine and threonine. This variant is not present in population databases (ExAC no frequency). This variant has not been reported in the literature in individuals affected with NCF2-related conditions. Algorithms developed to predict the effect of missense changes on protein structure and function (SIFT, PolyPhen-2, Align-GVGD) all suggest that this variant is likely to be disruptive. In summary, the available evidence is currently insufficient to determine the role of this variant in disease. Therefore, it has been classified as a Variant of Uncertain Significance.